The following is an entry in ClinVar:

NM_058216.3(RAD51C):c.479C>T (p.Thr160Ile)

Gene: RAD51C (RAD51 paralog C; plus strand). Cytogenetic location: 17q22.
Variant type: single nucleotide variant.
Coding change: c.479C>T on transcript NM_058216.3 (MANE Select); coding-DNA position 479, C replaced by T.
Protein change: p.Thr160Ile; replaces threonine 160 with isoleucine.
Molecular consequence: missense variant.
Genome position (GRCh38, 1-based): chr17:58,696,767, C>T. VCF-style: chr17-58696767-C-T. GRCh37 (hg19) VCF-style: chr17-56774128-C-T.
Other names: short protein forms T160I.
Identifiers: ClinVar variation 2774196 (VCV002774196.2), dbSNP rs1598460398, ClinGen allele CA400344736.

ClinVar aggregate classification (germline): Uncertain significance (1 of 4 stars; one submission).

Conditions:
Hereditary cancer-predisposing syndrome. Also called: Hereditary neoplastic syndrome; Hereditary Cancer Syndrome; Neoplastic Syndromes, Hereditary; Tumor predisposition. Identifiers: Orphanet 140162, MedGen C0027672, MeSH D009386, MONDO:0015356.

Submission:

Color Diagnostics, LLC DBA Color Health
Classification: Uncertain significance for Hereditary cancer-predisposing syndrome. Last evaluated: 2022-11-07. Review status: criteria provided, single submitter. Criteria: ACMG Guidelines, 2015. Collection method: clinical testing. Allele origin: germline.
Comment: This missense variant replaces threonine with isoleucine at codon 160 of the RAD51C protein. Computational prediction is inconclusive regarding the impact of this variant on protein structure and function (internally defined REVEL score threshold 0.5 < inconclusive < 0.7, PMID: 27666373). To our knowledge, functional studies have not been reported for this variant. This variant has not been reported in individuals affected with RAD51C-related disorders in the literature. This variant has not been identified in the general population by the Genome Aggregation Database (gnomAD). The available evidence is insufficient to determine the role of this variant in disease conclusively. Therefore, this variant is classified as a Variant of Uncertain Significance.